The following is an entry in ClinVar:

NM_007118.4(TRIO):c.216A>G (p.Lys72=)

Gene: TRIO (trio Rho guanine nucleotide exchange factor; plus strand). Cytogenetic location: 5p15.2.
Variant type: single nucleotide variant.
Coding change: c.216A>G on transcript NM_007118.4 (MANE Select); coding-DNA position 216, A replaced by G.
Protein change: p.Lys72=; no amino-acid change (lysine 72 retained).
Molecular consequence: synonymous variant. On other transcripts: non-coding transcript variant (1).
Genome position (GRCh38, 1-based): chr5:14,270,883, A>G. VCF-style: chr5-14270883-A-G. GRCh37 (hg19) VCF-style: chr5-14270992-A-G.
Identifiers: ClinVar variation 4823182 (VCV004823182.4).

ClinVar aggregate classification (germline): Likely benign (1 of 4 stars; one submission).

gnomAD v4.1: 20 of 1,613,788 alleles (0.0012%); highest among the groups gnomAD compares: African/African-American, 0.023%; no homozygotes.

Submission:

CeGaT Center for Human Genetics Tuebingen
Classification: Likely benign. Last evaluated: 2026-01-01. Review status: criteria provided, single submitter. Criteria: CeGaT Center For Human Genetics Tuebingen Variant Classification Criteria Version 2. Collection method: clinical testing. Allele origin: germline. Affected: yes. Observed: 1 variant allele.
Comment: TRIO: BP4